The following is an entry in ClinVar:

NM_004667.6(HERC2):c.8937+4C>T

Gene: HERC2 (HECT and RLD domain containing E3 ubiquitin protein ligase 2; minus strand). Cytogenetic location: 15q13.1.
Variant type: single nucleotide variant.
Coding change: c.8937+4C>T on transcript NM_004667.6 (MANE Select); 4 bases into the intron after coding-DNA position 8937, C replaced by T.
Molecular consequence: intron variant.
Genome position (GRCh38, 1-based): chr15:28,182,397, G>A on the plus strand (C>T on the coding strand, the complement: HERC2 is on the minus strand). VCF-style: chr15-28182397-G-A. GRCh37 (hg19) VCF-style: chr15-28427543-G-A.
Other names: c.8937+4C>T (NM_004667.5).
Identifiers: ClinVar variation 1694738 (VCV001694738.33), dbSNP rs538829323, ClinGen allele CA7441342.
Genomic context (GRCh38, chr15:28,182,397, plus strand): 5'-ACTTCACGAGGTGTGGCTGCTGCCGAGTGCCCCACCCTGCTGGGTCCCAGGGAGCAGGCC[G>A]TACCTTGGAGCCTTTCAGCCCGCCCAGCTGGTCCTTGTCATTCAGGCCCCACACAAACAC-3'

ClinVar aggregate classification (germline): Likely benign. Review status: criteria provided, multiple submitters, no conflicts (2 of 4 stars). 3 submissions from 3 submitters: Likely benign (2). 1 of the submissions does not count toward it. Last evaluated 2024-10-21.

Conditions:
HERC2-related disorder. Also called: HERC2-related condition.

Allele frequency attached by ClinVar (database versions not stated): gnomAD 0.00004 and 0.00009; TOPMed 0.00007; ExAC 0.00060; 1000 Genomes Project 30x 0.00062; 1000 Genomes Project 0.00080.
gnomAD v4.1: 366 of 1,608,380 alleles (0.023%); highest among the groups gnomAD compares: South Asian, 0.28%; 3 homozygotes.

Submissions (3):

Blueprint Genetics
Classification: Likely benign. Last evaluated: 2024-10-21. Review status: criteria provided, single submitter. Criteria: ACMG Guidelines, 2015. Collection method: clinical testing. Allele origin: germline.

CeGaT Center for Human Genetics Tuebingen
Classification: Likely benign. Last evaluated: 2022-05-01. Review status: criteria provided, single submitter. Criteria: CeGaT Center For Human Genetics Tuebingen Variant Classification Criteria Version 2. Collection method: clinical testing. Allele origin: germline. Affected: yes. Observed: 1 variant allele.
Comment: HERC2: BP4

PreventionGenetics, part of Exact Sciences
Classification: Likely benign for HERC2-related condition. Last evaluated: 2019-06-10. Review status: no assertion criteria provided. Collection method: clinical testing. Allele origin: germline. Not counted in ClinVar's aggregate classification.
Comment: This variant is classified as likely benign based on ACMG/AMP sequence variant interpretation guidelines (Richards et al. 2015 PMID: 25741868, with internal and published modifications).